The following is an entry in ClinVar:

NM_005518.4(HMGCS2):c.73C>G (p.Pro25Ala)

Genes: HMGCS2 (3-hydroxy-3-methylglutaryl-CoA synthase 2; minus strand), LOC122094910 (Sharpr-MPRA regulatory region 1341; plus strand). Cytogenetic location: 1p12.
Variant type: single nucleotide variant.
Coding change: c.73C>G on transcript NM_005518.4 (MANE Select); coding-DNA position 73, C replaced by G.
Protein change: p.Pro25Ala; replaces proline 25 with alanine.
Molecular consequence: missense variant.
Genome position (GRCh38, 1-based): chr1:119,768,772, G>C on the plus strand (C>G on the coding strand, the complement: HMGCS2 is on the minus strand). VCF-style: chr1-119768772-G-C. GRCh37 (hg19) VCF-style: chr1-120311395-G-C.
Other names: p.P25A:CCT>GCT; c.73C>G, p.Pro25Ala (NM_001166107.1); short protein forms P25A.
Identifiers: ClinVar variation 203778 (VCV000203778.6), dbSNP rs144744634, ClinGen allele CA312636.

ClinVar aggregate classification (germline): Conflicting classifications of pathogenicity. Review status: criteria provided, conflicting classifications (1 of 4 stars). 2 submissions from 2 submitters: Uncertain significance (1); Likely benign (1). Last evaluated 2021-09-01.

Conditions:
3-hydroxy-3-methylglutaryl-CoA synthase deficiency (HMGCS2D). Also called: HMGCS2 DEFICIENCY; HMG-CoA synthase-2 deficiency; MITOCHONDRIAL HMG-CoA SYNTHASE DEFICIENCY. Identifiers: Orphanet 35701, MedGen C2751532, MONDO:0011614, OMIM 605911.

Allele frequency attached by ClinVar (database versions not stated): ESP Exome Variant Server 0.00008; gnomAD 0.00015 and 0.00016; TOPMed 0.00017; gnomAD exomes 0.00026 and 0.00033; ExAC 0.00037.

Submissions (2):

Labcorp Genetics (formerly Invitae), Labcorp
Classification: Uncertain significance for 3-hydroxy-3-methylglutaryl-CoA synthase deficiency. Last evaluated: 2021-09-01. Review status: criteria provided, single submitter. Criteria: Invitae Variant Classification Sherloc (09022015). Collection method: clinical testing. Allele origin: germline.
Comment: This sequence change replaces proline with alanine at codon 25 of the HMGCS2 protein (p.Pro25Ala). The proline residue is moderately conserved and there is a small physicochemical difference between proline and alanine. This variant is present in population databases (rs144744634, ExAC 0.08%). This variant has not been reported in the literature in individuals affected with HMGCS2-related conditions. ClinVar contains an entry for this variant (Variation ID: 203778). Algorithms developed to predict the effect of missense changes on protein structure and function (SIFT, PolyPhen-2, Align-GVGD) all suggest that this variant is likely to be tolerated. Algorithms developed to predict the effect of sequence changes on RNA splicing suggest that this variant may create or strengthen a splice site. In summary, the available evidence is currently insufficient to determine the role of this variant in disease. Therefore, it has been classified as a Variant of Uncertain Significance.

GeneDx
Classification: Likely benign. Last evaluated: 2013-11-01. Review status: criteria provided, single submitter. Criteria: GeneDx Variant Classification (06012015). Collection method: clinical testing. Allele origin: germline. Affected: yes.
Comment: This variant is considered likely benign or benign based on one or more of the following criteria: it is a conservative change, it occurs at a poorly conserved position in the protein, it is predicted to be benign by multiple in silico algorithms, and/or has population frequency not consistent with disease.